The following is an entry in ClinVar:

ClinVar aggregate classification (germline): Uncertain significance. Review status: criteria provided, multiple submitters, no conflicts (2 of 4 stars). 3 submissions from 3 submitters: Uncertain significance (3). Last evaluated 2025-10-15.

Allele frequency attached by ClinVar (database versions not stated): TOPMed 0.00002; gnomAD exomes 0.00003 and 0.00004; ExAC 0.00005.
gnomAD v4.1: 15 of 1,614,192 alleles (0.00093%); highest among the groups gnomAD compares: Admixed American, 0.023%; no homozygotes.

Submissions (3):

Women's Health and Genetics/Laboratory Corporation of America, LabCorp
Classification: Uncertain significance. Last evaluated: 2025-10-15. Review status: criteria provided, single submitter. Criteria: LabCorp Variant Classification Summary - May 2015. Collection method: clinical testing. Allele origin: germline.
Comment: Variant summary: NEUROD1 c.514C>T (p.Leu172Phe) results in a non-conservative amino acid change in the encoded protein sequence. Algorithms developed to predict the effect of missense changes on protein structure and function all suggest that this variant is likely to be disruptive. The variant allele was found at a frequency of 4.4e-05 in 251422 control chromosomes. This frequency is not significantly higher than estimated for disease-causing variants in NEUROD1, allowing no conclusion about variant significance. c.514C>T has been observed in an individual diagnosed with maturity-onset diabetes of the young and the variant was determined to be inherited from this individual's mother who was subsequently diagnosed with diabetes (example: Yee_2025). This report does not provide unequivocal conclusions about association of the variant with NEUROD1-related disorders. To our knowledge, no experimental evidence demonstrating an impact on protein function has been reported. The following publication has been ascertained in the context of this evaluation (PMID: 40474235). ClinVar contains an entry for this variant (Variation ID: 597095). Based on the evidence outlined above, the variant was classified as uncertain significance.

Labcorp Genetics (formerly Invitae), Labcorp
Classification: Uncertain significance. Last evaluated: 2022-06-29. Review status: criteria provided, single submitter. Criteria: Invitae Variant Classification Sherloc (09022015). Collection method: clinical testing. Allele origin: germline.
Comment: In summary, the available evidence is currently insufficient to determine the role of this variant in disease. Therefore, it has been classified as a Variant of Uncertain Significance. Algorithms developed to predict the effect of missense changes on protein structure and function are either unavailable or do not agree on the potential impact of this missense change (SIFT: "Deleterious"; PolyPhen-2: "Probably Damaging"; Align-GVGD: "Class C15"). ClinVar contains an entry for this variant (Variation ID: 597095). This variant has not been reported in the literature in individuals affected with NEUROD1-related conditions. This variant is present in population databases (rs764635164, gnomAD 0.03%). This sequence change replaces leucine, which is neutral and non-polar, with phenylalanine, which is neutral and non-polar, at codon 172 of the NEUROD1 protein (p.Leu172Phe).

Eurofins Ntd Llc (ga)
Classification: Uncertain significance. Last evaluated: 2018-05-03. Review status: criteria provided, single submitter. Criteria: EGL ClinVar v180209 classification definitions. Collection method: clinical testing. Allele origin: germline. Observed: 1 variant allele, 1 heterozygote.

Literature cited by the submitters: PubMed 40474235 (cited by Women's Health and Genetics/Laboratory Corporation of America, LabCorp).

NM_002500.5(NEUROD1):c.514C>T (p.Leu172Phe)

Gene: NEUROD1 (neuronal differentiation 1; minus strand). Cytogenetic location: 2q31.3.
Variant type: single nucleotide variant.
Coding change: c.514C>T on transcript NM_002500.5 (MANE Select); coding-DNA position 514, C replaced by T.
Protein change: p.Leu172Phe; replaces leucine 172 with phenylalanine.
Molecular consequence: missense variant.
Genome position (GRCh38, 1-based): chr2:181,678,347, G>A on the plus strand (C>T on the coding strand, the complement: NEUROD1 is on the minus strand). VCF-style: chr2-181678347-G-A. GRCh37 (hg19) VCF-style: chr2-182543074-G-A.
Other names: short protein forms L172F.
Identifiers: ClinVar variation 597095 (VCV000597095.12), dbSNP rs764635164, ClinGen allele CA2011123.